The following is an entry in ClinVar:

ClinVar aggregate classification (germline): Uncertain significance (1 of 4 stars; one submission).

Conditions:
Epilepsy, familial adult myoclonic, 5 (EPEO5). Also called: CORTICAL MYOCLONIC TREMOR WITH EPILEPSY, FAMILIAL, 5. Identifiers: Orphanet 86814, MedGen C3809374, MONDO:0014167, OMIM 615400.

Submission:

Labcorp Genetics (formerly Invitae), Labcorp
Classification: Uncertain significance for Epilepsy, familial adult myoclonic, 5. Last evaluated: 2022-10-17. Review status: criteria provided, single submitter. Criteria: Invitae Variant Classification Sherloc (09022015). Collection method: clinical testing. Allele origin: germline.
Comment: In summary, the available evidence is currently insufficient to determine the role of this variant in disease. Therefore, it has been classified as a Variant of Uncertain Significance. Advanced modeling of protein sequence and biophysical properties (such as structural, functional, and spatial information, amino acid conservation, physicochemical variation, residue mobility, and thermodynamic stability) performed at Invitae indicates that this missense variant is not expected to disrupt CNTN2 protein function. This variant has not been reported in the literature in individuals affected with CNTN2-related conditions. This variant is not present in population databases (gnomAD no frequency). This sequence change replaces methionine, which is neutral and non-polar, with isoleucine, which is neutral and non-polar, at codon 80 of the CNTN2 protein (p.Met80Ile).

NM_005076.5(CNTN2):c.240G>A (p.Met80Ile)

Gene: CNTN2 (contactin 2; plus strand). Cytogenetic location: 1q32.1.
Variant type: single nucleotide variant.
Coding change: c.240G>A on transcript NM_005076.5 (MANE Select); coding-DNA position 240, G replaced by A.
Protein change: p.Met80Ile; replaces methionine 80 with isoleucine.
Molecular consequence: missense variant. On other transcripts: non-coding transcript variant (1).
Genome position (GRCh38, 1-based): chr1:205,058,205, G>A. VCF-style: chr1-205058205-G-A. GRCh37 (hg19) VCF-style: chr1-205027333-G-A.
Other names: c.240G>A, p.Met80Ile (NM_001346083.2); short protein forms M80I.
Identifiers: ClinVar variation 1713339 (VCV001713339.5), dbSNP rs1482030291, ClinGen allele CA344404470.